The following is an entry in ClinVar:

ClinVar aggregate classification (germline): Uncertain significance (1 of 4 stars; one submission).

Conditions:
Epidermolysis bullosa simplex 3, localized or generalized intermediate, with BP230 deficiency (EBS3). Also called: Epidermolysis bullosa simplex, autosomal recessive 2; Epidermolysis bullosa simplex due to BP230 deficiency. Identifiers: Orphanet 412181, MedGen C3809470, MONDO:0014180, OMIM 615425.
Hereditary sensory and autonomic neuropathy type 6. Also called: Neuropathy, hereditary sensory and autonomic, type VI; HSAN VI. Identifiers: Orphanet 314381, MedGen C3539003, MONDO:0013839, OMIM 614653.

Allele frequency attached by ClinVar (database versions not stated): gnomAD 0.00001 and 0.00002; gnomAD exomes 0.00001; TOPMed 0.00001; ExAC 0.00003; 1000 Genomes Project 30x 0.00031.
gnomAD v4.1: 13 of 1,568,098 alleles (0.00083%); highest among the groups gnomAD compares: South Asian, 0.0012%; no homozygotes.

Submission:

Labcorp Genetics (formerly Invitae), Labcorp
Classification: Uncertain significance for Epidermolysis bullosa simplex 3, localized or generalized intermediate, with BP230 deficiency; Hereditary sensory and autonomic neuropathy type 6. Last evaluated: 2020-03-12. Review status: criteria provided, single submitter. Criteria: Invitae Variant Classification Sherloc (09022015). Collection method: clinical testing. Allele origin: germline.
Comment: In summary, the available evidence is currently insufficient to determine the role of this variant in disease. Therefore, it has been classified as a Variant of Uncertain Significance. Experimental studies and prediction algorithms are not available or were not evaluated, and the functional significance of this variant is currently unknown. This variant has not been reported in the literature in individuals with DST-related conditions. This variant is present in population databases (rs748806288, ExAC 0.006%). This sequence change replaces histidine with arginine at codon 1921 of the DST protein (p.His1921Arg). The histidine residue is moderately conserved and there is a small physicochemical difference between the two amino acids. The DST gene has multiple clinically relevant transcripts. This variant occurs in alternate transcript NM_015548.4, and corresponds to NM_001723.5:c.*43327A>G in the primary transcript.

NM_001374736.1(DST):c.13631A>G (p.His4544Arg)

Gene: DST (dystonin; minus strand). Cytogenetic location: 6p12.1.
Variant type: single nucleotide variant.
Coding change: c.13631A>G on transcript NM_001374736.1 (MANE Select); coding-DNA position 13631, A replaced by G.
Protein change: p.His4544Arg; replaces histidine 4544 with arginine.
Molecular consequence: missense variant.
Genome position (GRCh38, 1-based): chr6:56,572,190, T>C on the plus strand (A>G on the coding strand, the complement: DST is on the minus strand). VCF-style: chr6-56572190-T-C. GRCh37 (hg19) VCF-style: chr6-56436988-T-C.
Other names: c.6860A>G, p.His2287Arg (NM_001144770.2); c.13631A>G, p.His4544Arg (NM_001374722.1); c.12998A>G, p.His4333Arg (NM_001374729.1); c.7274A>G, p.His2425Arg (NM_001144769.5); c.6740A>G, p.His2247Arg (NM_001374730.1, NM_001386100.1, NM_183380.4); c.13658A>G, p.His4553Arg (NM_001374734.1); c.5762A>G, p.His1921Arg (NM_015548.5); short protein forms H2247R, H4553R, H1921R, H2287R, H4333R, H4544R, H2425R.
Identifiers: ClinVar variation 1040187 (VCV001040187.5), dbSNP rs748806288, ClinGen allele CA3868182.